The following is an entry in ClinVar:

ClinVar aggregate classification (germline): Pathogenic (1 of 4 stars; one submission).

Conditions:
Mosaic variegated aneuploidy syndrome 1 (MVA1). Also called: Warburton-Anyane-Yeboa syndrome. Identifiers: Orphanet 1052, MedGen C1850343, MONDO:0009759, OMIM 257300.

Submission:

Labcorp Genetics (formerly Invitae), Labcorp
Classification: Pathogenic for Mosaic variegated aneuploidy syndrome 1. Last evaluated: 2023-06-06. Review status: criteria provided, single submitter. Criteria: Invitae Variant Classification Sherloc (09022015). Collection method: clinical testing. Allele origin: germline.
Comment: This sequence change inserts a large fragment of DNA, likely a transposable element, in exon 2 of the BUB1B gene (c.94_95ins?), causing a frameshift at codon 34 (p.Gln34fs). The exact size and sequence of the insertion cannot be determined by the current assay. However, the insertion is expected to result in an absent or disrupted protein product. This variant is not present in population databases (gnomAD no frequency). This variant has not been reported in the literature in individuals affected with BUB1B-related conditions. Algorithms developed to predict the effect of sequence changes on RNA splicing suggest that this variant may disrupt the consensus splice site. Retrotransposon insertions including LINE1 (L1), Alu, and SVA (SINE-VNTR-Alu) have been reported to be disease-causing through disruption of either a coding region or splice site (PMID: 19763152, 20307669, 22406018) and loss-of-function variants in BUB1B are known to be pathogenic (PMID: 15475955, 21190457). For these reasons, this variant has been classified as Pathogenic.

Literature cited by the submitters: PubMed 19763152; PubMed 20307669; PubMed 22406018; PubMed 15475955; PubMed 21190457.

NM_001211.6(BUB1B):c.94_95insGCTCTCCCTCTCCCTCTCCCGCTCCCGGGGGGGGGGGGGGGCGGGGGGGGGGGGGGGGGGGGGGGGGGGGGCGGGGGGGGGGGCGNNNNNNNNNNAAAAAAAAAAAAAAAAAAAAAAAGAAAATGTACAACCTT (p.Leu32fs)

Gene: BUB1B (BUB1 mitotic checkpoint serine/threonine kinase B; plus strand). Cytogenetic location: 15q15.1.
Variant type: Insertion.
Coding change: c.94_95insGCTCTCCCTCTCCCTCTCCCGCTCCCGGGGGGGGGGGGGGGCGGGGGGGGGGGGGGGGGGGGGGGGGGGGGCGGGGGGGGGGGCGNNNNNNNNNNAAAAAAAAAAAAAAAAAAAAAAAGAAAATGTACAACCTT on transcript NM_001211.6 (MANE Select); coding-DNA positions 94 to 95, GCTCTCCCTCTCCCTCTCCCGCTCCCGGGGGGGGGGGGGGGCGGGGGGGGGGGGGGGGGGGGGGGGGGGGGCGGGGGGGGGGGCGNNNNNNNNNNAAAAAAAAAAAAAAAAAAAAAAAGAAAATGTACAACCTT inserted.
Protein change: p.Leu32fs; shifts the reading frame from leucine 32.
Molecular consequence: frameshift variant.
Genome position: GRCh38: chr15:40,165,111-40,165,112. GRCh37 (hg19): chr15:40,457,312-40,457,313.
Other names: short protein forms L32fs.
Identifiers: ClinVar variation 2697026 (VCV002697026.3), dbSNP rs2542508580.